The following is an entry in ClinVar:

NM_020247.5(COQ8A):c.1191G>A (p.Val397=)

Gene: COQ8A (coenzyme Q8A; plus strand). Cytogenetic location: 1q42.13.
Variant type: single nucleotide variant.
Coding change: c.1191G>A on transcript NM_020247.5 (MANE Select); coding-DNA position 1191, G replaced by A.
Protein change: p.Val397=; no amino-acid change (valine 397 retained).
Molecular consequence: synonymous variant.
Genome position (GRCh38, 1-based): chr1:226,983,789, G>A. VCF-style: chr1-226983789-G-A. GRCh37 (hg19) VCF-style: chr1-227171490-G-A.
Identifiers: ClinVar variation 682381 (VCV000682381.5), dbSNP rs751845468, ClinGen allele CA1425357.
Genomic context (GRCh38, chr1:226,983,789, plus strand): 5'-CTTCCTCGCTGATGCCCTCCTCCCTGGCCCAGGCCTGTTCCCCGAGCACCTGATCGACGT[G>A]CTGAGGCGGGAGCTGGCCCTGGAGTGTGACTACCAGCGAGAGGCCGCCTGTGCCCGCAAG-3'
Protein context (NP_064632.2, residues 387-407): EGLFPEHLID[Val397=]LRRELALECD

ClinVar aggregate classification (germline): Likely benign. Review status: criteria provided, multiple submitters, no conflicts (2 of 4 stars). 2 submissions from 2 submitters: Likely benign (2). Last evaluated 2022-07-21.

Allele frequency attached by ClinVar (database versions not stated): gnomAD below 0.00001 and 0.00001; ExAC 0.00002; gnomAD exomes 0.00001.
gnomAD v4.1: 13 of 1,612,856 alleles (0.00081%); highest among the groups gnomAD compares: South Asian, 0.011%; no homozygotes.

Submissions (2):

Labcorp Genetics (formerly Invitae), Labcorp
Classification: Likely benign. Last evaluated: 2022-07-21. Review status: criteria provided, single submitter. Criteria: Invitae Variant Classification Sherloc (09022015). Collection method: clinical testing. Allele origin: germline.

GeneDx
Classification: Likely benign. Last evaluated: 2018-04-24. Review status: criteria provided, single submitter. Criteria: GeneDx Variant Classification (06012015). Collection method: clinical testing. Allele origin: germline. Affected: yes.
Comment: This variant is considered likely benign or benign based on one or more of the following criteria: it is a conservative change, it occurs at a poorly conserved position in the protein, it is predicted to be benign by multiple in silico algorithms, and/or has population frequency not consistent with disease.